The following is an entry in ClinVar:

ClinVar aggregate classification (germline): Pathogenic (1 of 4 stars; one submission).

Conditions:
Cholestanol storage disease (CTX). Also called: CEREBRAL CHOLESTERINOSIS; CTX: Cerebrotendinous xanthomatosis; Cerebrotendinous Xanthomatosis. Identifiers: Orphanet 909, MedGen C0238052, MONDO:0008948, OMIM 213700.

Submission:

Labcorp Genetics (formerly Invitae), Labcorp
Classification: Pathogenic for Cholestanol storage disease. Last evaluated: 2024-02-29. Review status: criteria provided, single submitter. Criteria: Invitae Variant Classification Sherloc (09022015). Collection method: clinical testing. Allele origin: germline.
Comment: This sequence change creates a premature translational stop signal (p.Pro463Hisfs*31) in the CYP27A1 gene. While this is not anticipated to result in nonsense mediated decay, it is expected to disrupt the last 69 amino acid(s) of the CYP27A1 protein. This variant is not present in population databases (gnomAD no frequency). This variant has not been reported in the literature in individuals affected with CYP27A1-related conditions. This variant disrupts a region of the CYP27A1 protein in which other variant(s) (p.Val473Leufs*45) have been determined to be pathogenic (PMID: 21404287; Invitae). This suggests that this is a clinically significant region of the protein, and that variants that disrupt it are likely to be disease-causing. For these reasons, this variant has been classified as Pathogenic.

Literature cited by the submitters: PubMed 21404287.

NM_000784.4(CYP27A1):c.1388del (p.Pro463fs)

Gene: CYP27A1 (cytochrome P450 family 27 subfamily A member 1; plus strand). Cytogenetic location: 2q35.
Variant type: Deletion.
Coding change: c.1388del on transcript NM_000784.4 (MANE Select); coding-DNA position 1388, one base deleted (C; older notation c.1388delC).
Protein change: p.Pro463fs; shifts the reading frame from proline 463.
Molecular consequence: frameshift variant.
Genome position (GRCh38, 1-based): chr2:218,814,669, C deleted; the last of 3 consecutive C bases (chr2:218,814,667-218,814,669); deleting any one gives the same sequence. VCF-style (leftmost placement, unchanged base first): chr2-218814666-AC-A. GRCh37 (hg19) VCF-style: chr2-219679389-AC-A.
Other names: short protein forms P463fs.
Identifiers: ClinVar variation 3643758 (VCV003643758.2).